The following is an entry in ClinVar:

NM_003504.5(CDC45):c.1417C>T (p.Leu473=)

Gene: CDC45 (cell division cycle 45; plus strand). Cytogenetic location: 22q11.21.
Variant type: single nucleotide variant.
Coding change: c.1417C>T on transcript NM_003504.5 (MANE Select); coding-DNA position 1417, C replaced by T.
Protein change: p.Leu473=; no amino-acid change (leucine 473 retained).
Molecular consequence: synonymous variant.
Genome position (GRCh38, 1-based): chr22:19,515,025, C>T. VCF-style: chr22-19515025-C-T. GRCh37 (hg19) VCF-style: chr22-19502548-C-T.
Other names: c.1513C>T, p.Leu505= (NM_001178010.2); c.1279C>T, p.Leu427= (NM_001178011.2); c.1381C>T, p.Leu461= (NM_001369291.1).
Identifiers: ClinVar variation 3050041 (VCV003050041.2), dbSNP rs1015221471, ClinGen allele CA322067299.
Genomic context (GRCh38, chr22:19,515,025, plus strand): 5'-GGCACTCCAGATGTCATGCTGTTCTCTAGGCCGGCATCCCTAAGCCTGCTCAGCAAACAC[C>T]TGCTCAAGTCCTTTGTGTGTTCGGTGAGGGGCCAGGCGGGTGCTGTGGGTACAGGAGGGC-3'
Protein context (NP_003495.1, residues 463-483): PASLSLLSKH[Leu473=]LKSFVCSTKN

ClinVar aggregate classification (germline): Likely benign (0 of 4 stars; one submission).

Conditions:
CDC45-related disorder. Also called: CDC45-related condition.

Allele frequency attached by ClinVar (database versions not stated): gnomAD exomes below 0.00001; TOPMed below 0.00001; gnomAD 0.00001.
gnomAD v4.1: 2 of 1,611,800 alleles (0.00012%); highest among the groups gnomAD compares: Admixed American, 0.0017%; no homozygotes.

Submission:

PreventionGenetics, part of Exact Sciences
Classification: Likely benign for CDC45-related condition. Last evaluated: 2019-07-10. Review status: no assertion criteria provided. Collection method: clinical testing. Allele origin: germline.
Comment: This variant is classified as likely benign based on ACMG/AMP sequence variant interpretation guidelines (Richards et al. 2015 PMID: 25741868, with internal and published modifications).